The following is an entry in ClinVar:

NM_020937.4(FANCM):c.4783C>T (p.Pro1595Ser)

Gene: FANCM (FA complementation group M; plus strand). Cytogenetic location: 14q21.2.
Variant type: single nucleotide variant.
Coding change: c.4783C>T on transcript NM_020937.4 (MANE Select); coding-DNA position 4783, C replaced by T.
Protein change: p.Pro1595Ser; replaces proline 1595 with serine.
Molecular consequence: missense variant.
Genome position (GRCh38, 1-based): chr14:45,188,805, C>T. VCF-style: chr14-45188805-C-T. GRCh37 (hg19) VCF-style: chr14-45658008-C-T.
Other names: c.4705C>T, p.Pro1569Ser (NM_001308133.2); short protein forms P1569S, P1595S.
Identifiers: ClinVar variation 3625094 (VCV003625094.3).
Genomic context (GRCh38, chr14:45,188,805, plus strand): 5'-TAAATACCTGTTAATTGTCTGAAATAAATATAAAACATTCTTGTGTTTTTATTGTAGATT[C>T]CTGAACAAGATGAAACCTATTTAGAGGATAGTTTTTGTGTTGATGAAGAGGAGTCTTGCA-3'
Protein context (NP_065988.1, residues 1585-1605): HKNINIFSQI[Pro1595Ser]EQDETYLEDS

ClinVar aggregate classification (germline): Uncertain significance. Review status: criteria provided, multiple submitters, no conflicts (2 of 4 stars). 2 submissions from 2 submitters: Uncertain significance (2). Last evaluated 2025-09-07.

Conditions:
Inborn genetic diseases. Identifiers: MedGen C0950123, MeSH D030342.
Fanconi anemia (FA). Also called: Fanconi's anemia. Identifiers: Orphanet 84, MedGen C0015625, MeSH D005199, MONDO:0019391.

gnomAD v4.1: 5 of 1,606,858 alleles (0.00031%); highest among the groups gnomAD compares: Non-Finnish European, 0.00043%; no homozygotes.

Submissions (2):

Ambry Genetics
Classification: Uncertain significance for Inborn genetic diseases. Last evaluated: 2025-09-07. Review status: criteria provided, single submitter. Criteria: Ambry Variant Classification Scheme 2023. Collection method: clinical testing. Allele origin: germline.
Comment: The p.P1595S variant (also known as c.4783C>T), located in coding exon 20 of the FANCM gene, results from a C to T substitution at nucleotide position 4783. The proline at codon 1595 is replaced by serine, an amino acid with similar properties. This amino acid position is conserved. In addition, the in silico prediction for this alteration is inconclusive. Based on the available evidence, the clinical significance of this variant remains unclear.

Labcorp Genetics (formerly Invitae), Labcorp
Classification: Uncertain significance for Fanconi anemia. Last evaluated: 2024-11-02. Review status: criteria provided, single submitter. Criteria: Invitae Variant Classification Sherloc (09022015). Collection method: clinical testing. Allele origin: germline.
Comment: This sequence change replaces proline, which is neutral and non-polar, with serine, which is neutral and polar, at codon 1595 of the FANCM protein (p.Pro1595Ser). This variant is present in population databases (rs765536952, gnomAD 0.003%). This variant has not been reported in the literature in individuals affected with FANCM-related conditions. An algorithm developed to predict the effect of missense changes on protein structure and function (PolyPhen-2) suggests that this variant is likely to be tolerated. In summary, the available evidence is currently insufficient to determine the role of this variant in disease. Therefore, it has been classified as a Variant of Uncertain Significance.